The following is an entry in ClinVar:

ClinVar aggregate classification (germline): Uncertain significance (1 of 4 stars; one submission).

Conditions:
Fanconi anemia (FA). Also called: Fanconi's anemia. Identifiers: Orphanet 84, MedGen C0015625, MeSH D005199, MONDO:0019391.

Submission:

Labcorp Genetics (formerly Invitae), Labcorp
Classification: Uncertain significance for Fanconi anemia. Last evaluated: 2017-06-17. Review status: criteria provided, single submitter. Criteria: Invitae Variant Classification Sherloc (09022015). Collection method: clinical testing. Allele origin: germline.
Comment: This sequence change replaces aspartic acid with tyrosine at codon 279 of the FANCA protein (p.Asp279Tyr). The aspartic acid residue is highly conserved and there is a large physicochemical difference between aspartic acid and tyrosine. This variant is not present in population databases (ExAC no frequency). This variant has not been reported in the literature in individuals with a FANCA-related disease. Algorithms developed to predict the effect of missense changes on protein structure and function do not agree on the potential impact of this missense change (SIFT: "Deleterious"; PolyPhen-2: "Possibly Damaging"; Align-GVGD: "Class C15"). In summary, this variant has uncertain impact on FANCA function. The available evidence is currently insufficient to determine its role in disease. Therefore, it has been classified as a Variant of Uncertain Significance.

NM_000135.4(FANCA):c.835G>T (p.Asp279Tyr)

Gene: FANCA (FA complementation group A; minus strand). Cytogenetic location: 16q24.3.
Variant type: single nucleotide variant.
Coding change: c.835G>T on transcript NM_000135.4 (MANE Select); coding-DNA position 835, G replaced by T.
Protein change: p.Asp279Tyr; replaces aspartic acid 279 with tyrosine.
Molecular consequence: missense variant.
Genome position (GRCh38, 1-based): chr16:89,799,224, C>A on the plus strand (G>T on the coding strand, the complement: FANCA is on the minus strand). VCF-style: chr16-89799224-C-A. GRCh37 (hg19) VCF-style: chr16-89865632-C-A.
Other names: c.835G>T, p.Asp279Tyr (NM_001018112.3, NM_001286167.3); c.739G>T, p.Asp247Tyr (NM_001351830.2); c.835G>T (LRG_495t1); short protein forms D279Y, D247Y.
Identifiers: ClinVar variation 456138 (VCV000456138.8), dbSNP rs1555566625, ClinGen allele CA397473151.